The following is an entry in ClinVar:

ClinVar aggregate classification (germline): Uncertain significance. Review status: criteria provided, multiple submitters, no conflicts (2 of 4 stars). 3 submissions from 3 submitters: Uncertain significance (3). Last evaluated 2024-09-14.

Conditions:
Neurofibromatosis, type 2 (SWNV). Also called: NF2-Related Schwannomatosis; BILATERAL ACOUSTIC NEUROFIBROMATOSIS; SCHWANNOMATOSIS, VESTIBULAR. Identifiers: Orphanet 637, MedGen C0027832, MONDO:0007039, OMIM 101000. Disease mechanism: loss of function.
Hereditary cancer-predisposing syndrome. Also called: Hereditary Cancer Syndrome; Tumor predisposition; Hereditary neoplastic syndrome; Neoplastic Syndromes, Hereditary. Identifiers: Orphanet 140162, MedGen C0027672, MeSH D009386, MONDO:0015356.

gnomAD v4.1: 2 of 1,612,102 alleles (0.00012%); highest among the groups gnomAD compares: East Asian, 0.0022%; no homozygotes.

Submissions (4):

Ambry Genetics
Classification: Uncertain significance for Hereditary cancer-predisposing syndrome. Last evaluated: 2024-09-14. Review status: criteria provided, single submitter. Criteria: Ambry Variant Classification Scheme 2023. Collection method: clinical testing. Allele origin: germline.
Comment: The c.516G>A variant (also known as p.R172R), located in coding exon 5 of the NF2 gene, results from a G to A substitution at nucleotide position 516. This nucleotide substitution does not change the amiono acid at codon 172. However, this change occurs in the last base pair of coding exon 5, which makes it likely to have some effect on normal mRNA splicing. This nucleotide position is not well conserved in available vertebrate species. In silico splice site analysis predicts that this alteration will not have any significant effect on splicing. Based on the available evidence, the clinical significance of this variant remains unclear.

Labcorp Genetics (formerly Invitae), Labcorp
Classification: Uncertain significance for Neurofibromatosis, type 2. Last evaluated: 2023-11-11. Review status: criteria provided, single submitter. Criteria: Invitae Variant Classification Sherloc (09022015). Collection method: clinical testing. Allele origin: germline.
Comment: This sequence change affects codon 172 of the NF2 mRNA. It is a 'silent' change, meaning that it does not change the encoded amino acid sequence of the NF2 protein. This variant also falls at the last nucleotide of exon 5, which is part of the consensus splice site for this exon. This variant is not present in population databases (gnomAD no frequency). This variant has not been reported in the literature in individuals affected with NF2-related conditions. ClinVar contains an entry for this variant (Variation ID: 1051726). Variants that disrupt the consensus splice site are a relatively common cause of aberrant splicing (PMID: 17576681, 9536098). Algorithms developed to predict the effect of sequence changes on RNA splicing suggest that this variant is not likely to affect RNA splicing. In summary, the available evidence is currently insufficient to determine the role of this variant in disease. Therefore, it has been classified as a Variant of Uncertain Significance.

Blueprint Genetics
Classification: Uncertain significance. Last evaluated: 2023-10-23. Review status: criteria provided, single submitter. Criteria: ACMG Guidelines, 2015. Collection method: clinical testing. Allele origin: germline.

Dr. Peter K. Rogan Lab, Western University
No classification provided (evidence only). Condition: Melanoma. Review status: no classification provided. Collection method: in vitro. Allele origin: not applicable. Functional consequence: skipped exon. Not counted in ClinVar's aggregate classification.

Literature cited by the submitters: PubMed 17576681 (cited by Labcorp Genetics (formerly Invitae), Labcorp); PubMed 9536098 (cited by Labcorp Genetics (formerly Invitae), Labcorp).

NM_000268.4(NF2):c.516G>A (p.Arg172=)

Gene: NF2 (NF2, moesin-ezrin-radixin like (MERLIN) tumor suppressor; plus strand). Cytogenetic location: 22q12.2.
Variant type: single nucleotide variant.
Coding change: c.516G>A on transcript NM_000268.4 (MANE Select); coding-DNA position 516, G replaced by A.
Protein change: p.Arg172=; no amino-acid change (arginine 172 retained).
Molecular consequence: synonymous variant. On other transcripts: non-coding transcript variant (1), intron variant (1).
Genome position (GRCh38, 1-based): chr22:29,654,725, G>A. VCF-style: chr22-29654725-G-A. GRCh37 (hg19) VCF-style: chr22-30050714-G-A.
Other names: c.516G>A (NM_000268.3); c.516G>A, p.Arg172= (NM_016418.5, NM_181825.3, NM_181832.3); c.390G>A, p.Arg130= (NM_181828.3); c.393G>A, p.Arg131= (NM_181829.3); c.267G>A, p.Arg89= (NM_181830.3, NM_181831.3); c.447+12440G>A (NM_181833.3).
Identifiers: ClinVar variation 1051726 (VCV001051726.10), dbSNP rs1437469963, ClinGen allele CA514181674.